The following is an entry in ClinVar:

ClinVar aggregate classification (germline): Conflicting classifications of pathogenicity. Review status: criteria provided, conflicting classifications (1 of 4 stars). 7 submissions from 7 submitters: Uncertain significance (1); Likely benign (6). Last evaluated 2026-02-03.

Conditions:
MYH11-related disorder. Also called: MYH11-related condition.
Familial thoracic aortic aneurysm and aortic dissection (TAAD). Also called: Thoracic aortic aneurysms and dissections. Identifiers: Orphanet 91387, MedGen C4707243, MONDO:0019625.
Aortic aneurysm, familial thoracic 4 (AAT4). Also called: AORTIC ANEURYSM/AORTIC DISSECTION AND PATENT DUCTUS ARTERIOSUS. Identifiers: MedGen C1851504, MONDO:0007568, OMIM 132900.

Allele frequency attached by ClinVar (database versions not stated): gnomAD exomes 0.00003 and 0.00017; gnomAD 0.00011 and 0.00015; TOPMed 0.00012; ExAC 0.00016; ESP Exome Variant Server 0.00023; 1000 Genomes Project 0.00060; 1000 Genomes Project 30x 0.00062.
gnomAD v4.1: 79 of 1,614,208 alleles (0.0049%); highest among the groups gnomAD compares: East Asian, 0.089%; no homozygotes.

Submissions (7):

Labcorp Genetics (formerly Invitae), Labcorp
Classification: Likely benign for Aortic aneurysm, familial thoracic 4. Last evaluated: 2026-02-03. Review status: criteria provided, single submitter. Criteria: Invitae Variant Classification Sherloc (09022015). Collection method: clinical testing. Allele origin: germline.

GeneDx
Classification: Uncertain significance. Last evaluated: 2025-05-21. Review status: criteria provided, single submitter. Criteria: GeneDx Variant Classification Process June 2021. Collection method: clinical testing. Allele origin: germline. Affected: yes.
Comment: Reported in a patient referred for thoracic aortic aneurysm, reported as R1195W due to the use of an alternate transcript; however, no additional clinical information was provided (PMID: 29907982); In silico analysis supports that this missense variant has a deleterious effect on protein structure/function; This variant is associated with the following publications: (PMID: 28659821, 29907982)

PreventionGenetics, part of Exact Sciences
Classification: Likely benign for MYH11-related condition. Last evaluated: 2024-12-29. Review status: criteria provided, single submitter. Criteria: ACMG Guidelines, 2015. Collection method: clinical testing. Allele origin: germline.
Comment: This variant is classified as likely benign based on ACMG/AMP sequence variant interpretation guidelines (Richards et al. 2015 PMID: 25741868, with internal and published modifications).

Women's Health and Genetics/Laboratory Corporation of America, LabCorp
Classification: Likely benign. Last evaluated: 2024-03-28. Review status: criteria provided, single submitter. Criteria: LabCorp Variant Classification Summary - May 2015. Collection method: clinical testing. Allele origin: germline.

Ambry Genetics
Classification: Likely benign for Familial thoracic aortic aneurysm and aortic dissection. Last evaluated: 2024-02-19. Review status: criteria provided, single submitter. Criteria: Ambry Variant Classification Scheme 2023. Collection method: clinical testing. Allele origin: germline.

Blueprint Genetics
Classification: Likely benign. Last evaluated: 2023-11-14. Review status: criteria provided, single submitter. Criteria: ACMG Guidelines, 2015. Collection method: clinical testing. Allele origin: germline.

Color Diagnostics, LLC DBA Color Health
Classification: Likely benign for Familial thoracic aortic aneurysm and aortic dissection. Last evaluated: 2018-10-03. Review status: criteria provided, single submitter. Criteria: ACMG Guidelines, 2015. Collection method: clinical testing. Allele origin: germline.

Literature cited by the submitters: PubMed 28659821 (cited by Women's Health and Genetics/Laboratory Corporation of America, LabCorp); PubMed 29907982 (cited by Ambry Genetics).

NM_002474.3(MYH11):c.3562C>T (p.Arg1188Trp)

Gene: MYH11 (myosin heavy chain 11; minus strand). Cytogenetic location: 16p13.11.
Variant type: single nucleotide variant.
Coding change: c.3562C>T on transcript NM_002474.3 (MANE Select); coding-DNA position 3562, C replaced by T.
Protein change: p.Arg1188Trp; replaces arginine 1188 with tryptophan.
Molecular consequence: missense variant.
Genome position (GRCh38, 1-based): chr16:15,732,653, G>A on the plus strand (C>T on the coding strand, the complement: MYH11 is on the minus strand). VCF-style: chr16-15732653-G-A. GRCh37 (hg19) VCF-style: chr16-15826510-G-A.
Other names: p.R1188W:CGG>TGG; c.3583C>T, p.Arg1195Trp (NM_001040113.2, NM_001040114.2); c.3562C>T, p.Arg1188Trp (NM_022844.3); short protein forms R1188W, R1195W.
Identifiers: ClinVar variation 201064 (VCV000201064.26), dbSNP rs146388001, ClinGen allele CA306534.
Genomic context (GRCh38, chr16:15,732,653, plus strand): 5'-GCTCCTCCACCGCCTGTGCGTGTTTCTGCCTCATCTCCTGGACCTGAGCCTCATGGGACC[G>A]CGTCTCTTCATCCAGGGCCTTCTTCAGCACCGTCACCTCCTGCTCCCTCTTGGCCCTTGG-3'
Protein context (NP_002465.1, residues 1178-1198): VLKKALDEET[Arg1188Trp]SHEAQVQEMR